The following is an entry in ClinVar:

ClinVar aggregate classification (germline): Likely pathogenic (1 of 4 stars; one submission).

Conditions:
Drash syndrome (DDS). Also called: NEPHROPATHY, WILMS TUMOR, AND GENITAL ANOMALIES; WILMS TUMOR AND PSEUDO- OR TRUE HERMAPHRODITISM. Identifiers: Orphanet 220, MedGen C0950121, MONDO:0008682, OMIM 194080.
Frasier syndrome. Identifiers: Orphanet 347, MedGen C0950122, MeSH D052159, MONDO:0007635, OMIM 136680.
Wilms tumor 1 (WT1). Also called: Wilms tumor, somatic. Identifiers: Orphanet 654, MedGen CN033288, MONDO:0008679, OMIM 194070.
11p partial monosomy syndrome (WAGR). Also called: CHROMOSOME 11p13 DELETION SYNDROME; WAGR Spectrum Disorder; WAGR syndrome; WAGR Complex. Identifiers: Orphanet 893, MedGen C0206115, MONDO:0008681, OMIM 194072.

Submission:

Labcorp Genetics (formerly Invitae), Labcorp
Classification: Likely pathogenic for Wilms tumor 1; Drash syndrome; 11p partial monosomy syndrome; Frasier syndrome. Last evaluated: 2022-05-24. Review status: criteria provided, single submitter. Criteria: Invitae Variant Classification Sherloc (09022015). Collection method: clinical testing. Allele origin: germline.
Comment: In summary, the currently available evidence indicates that the variant is pathogenic, but additional data are needed to prove that conclusively. Therefore, this variant has been classified as Likely Pathogenic. Algorithms developed to predict the effect of sequence changes on RNA splicing suggest that this variant may disrupt the consensus splice site. ClinVar contains an entry for this variant (Variation ID: 943614). This variant is also known as IVS6-1G>T. Disruption of this splice site has been observed in individual(s) with Denys-Drash syndrome (PMID: 21384108). This variant is not present in population databases (gnomAD no frequency). This sequence change affects an acceptor splice site in intron 6 of the WT1 gene. It is expected to disrupt RNA splicing. Variants that disrupt the donor or acceptor splice site typically lead to a loss of protein function (PMID: 16199547), and loss-of-function variants in WT1 are known to be pathogenic (PMID: 15150775).

Literature cited by the submitters: PubMed 21384108; PubMed 16199547; PubMed 15150775.

NM_024426.6(WT1):c.1114-1G>T

Gene: WT1 (WT1 transcription factor; minus strand). Cytogenetic location: 11p13.
Variant type: single nucleotide variant.
Coding change: c.1114-1G>T on transcript NM_024426.6 (MANE Select); the canonical splice acceptor site of the intron before coding-DNA position 1114, G replaced by T.
Molecular consequence: splice acceptor variant.
Genome position (GRCh38, 1-based): chr11:32,396,408, C>A on the plus strand (G>T on the coding strand, the complement: WT1 is on the minus strand). VCF-style: chr11-32396408-C-A. GRCh37 (hg19) VCF-style: chr11-32417954-C-A.
Other names: c.940-1G>T (NM_001407050.1); c.991-1G>T (NM_001407047.1); c.1063-1G>T (NM_001407048.1, NM_001407049.1, NM_000378.6 and 1 more transcripts); c.1108-1G>T (NM_001407044.1); c.1114-1G>T (NM_001407046.1, NM_024424.5); c.352-1G>T (NM_001407051.1); c.412-1G>T (NM_001198552.2); c.463-1G>T (NM_001198551.2); and 1 more.
Identifiers: ClinVar variation 943614 (VCV000943614.11), dbSNP rs1851976798, ClinGen allele CA379960085.